The following is an entry in ClinVar:

NM_001128840.3(CACNA1D):c.2621C>G (p.Pro874Arg)

Gene: CACNA1D (calcium voltage-gated channel subunit alpha1 D; plus strand). Cytogenetic location: 3p21.1.
Variant type: single nucleotide variant.
Coding change: c.2621C>G on transcript NM_001128840.3 (MANE Select); coding-DNA position 2621, C replaced by G.
Protein change: p.Pro874Arg; replaces proline 874 with arginine.
Molecular consequence: missense variant.
Genome position (GRCh38, 1-based): chr3:53,732,962, C>G. VCF-style: chr3-53732962-C-G. GRCh37 (hg19) VCF-style: chr3-53766989-C-G.
Other names: c.2681C>G, p.Pro894Arg (NM_000720.4); c.2621C>G, p.Pro874Arg (NM_001128839.3); short protein forms P874R, P894R.
Identifiers: ClinVar variation 2114791 (VCV002114791.4), dbSNP rs1329283872, ClinGen allele CA353241726.
Genomic context (GRCh38, chr3:53,732,962, plus strand): 5'-AGGAAAAAATTGCCCCCATCCCTGAAGGGAGCGCTTTCTTCATTCTTAGCAAGACCAACC[C>G]GTAAATACTCCCCTTCTAGTCTCTCACGGCTGCCTCTTGCCAGTGACCCTACAGGTTGCT-3'
Protein context (NP_001122312.1, residues 864-884): SAFFILSKTN[Pro874Arg]IRVGCHKLIN

ClinVar aggregate classification (germline): Uncertain significance (1 of 4 stars; one submission).

gnomAD v4.1: 1 of 1,613,860 alleles (0.000062%); highest among the groups gnomAD compares: Middle Eastern, 0.017%; no homozygotes.

Submission:

Labcorp Genetics (formerly Invitae), Labcorp
Classification: Uncertain significance. Last evaluated: 2022-03-20. Review status: criteria provided, single submitter. Criteria: Invitae Variant Classification Sherloc (09022015). Collection method: clinical testing. Allele origin: germline.
Comment: Algorithms developed to predict the effect of sequence changes on RNA splicing suggest that this variant may create or strengthen a splice site. This sequence change replaces proline, which is neutral and non-polar, with arginine, which is basic and polar, at codon 894 of the CACNA1D protein (p.Pro894Arg). This variant is not present in population databases (gnomAD no frequency). This variant has not been reported in the literature in individuals affected with CACNA1D-related conditions. Algorithms developed to predict the effect of missense changes on protein structure and function are either unavailable or do not agree on the potential impact of this missense change (SIFT: "Deleterious"; PolyPhen-2: "Probably Damaging"; Align-GVGD: "Class C0"). In summary, the available evidence is currently insufficient to determine the role of this variant in disease. Therefore, it has been classified as a Variant of Uncertain Significance.